The following is an entry in ClinVar:

NM_004787.4(SLIT2):c.377C>T (p.Thr126Ile)

Gene: SLIT2 (slit guidance ligand 2; plus strand). Cytogenetic location: 4p15.31.
Variant type: single nucleotide variant.
Coding change: c.377C>T on transcript NM_004787.4 (MANE Select); coding-DNA position 377, C replaced by T.
Protein change: p.Thr126Ile; replaces threonine 126 with isoleucine.
Molecular consequence: missense variant.
Genome position (GRCh38, 1-based): chr4:20,268,863, C>T. VCF-style: chr4-20268863-C-T. GRCh37 (hg19) VCF-style: chr4-20270486-C-T.
Other names: c.377C>T, p.Thr126Ile (NM_001289135.3, NM_001289136.3); c.377C>T (NM_004787.1); short protein forms T126I.
Identifiers: ClinVar variation 2994418 (VCV002994418.4), dbSNP rs781173805, ClinGen allele CA2871061.
Genomic context (GRCh38, chr4:20,268,863, plus strand): 5'-TCAAAAGGCGTTTAAACAGAAATCACCTTCAGCTGTTTCCTGAGTTGCTGTTTCTTGGGA[C>T]TGCGAAGCTATACAGGCTGTAAGTAGACACAAATAGTTATTGTTGCTTTGGGTAGTACCT-3'
Protein context (NP_004778.1, residues 116-136): QLFPELLFLG[Thr126Ile]AKLYRLDLSE

ClinVar aggregate classification (germline): Uncertain significance. Review status: criteria provided, multiple submitters, no conflicts (2 of 4 stars). 2 submissions from 2 submitters: Uncertain significance (2). Last evaluated 2024-03-08.

Allele frequency attached by ClinVar (database versions not stated): gnomAD exomes below 0.00001; ExAC 0.00001; gnomAD 0.00001; TOPMed 0.00001.
gnomAD v4.1: 6 of 1,607,000 alleles (0.00037%); highest among the groups gnomAD compares: Admixed American, 0.01%; no homozygotes.

Submissions (2):

Ambry Genetics
Classification: Uncertain significance. Last evaluated: 2024-03-08. Review status: criteria provided, single submitter. Criteria: Ambry Variant Classification Scheme 2023. Collection method: clinical testing. Allele origin: germline.

Labcorp Genetics (formerly Invitae), Labcorp
Classification: Uncertain significance. Last evaluated: 2023-04-06. Review status: criteria provided, single submitter. Criteria: Invitae Variant Classification Sherloc (09022015). Collection method: clinical testing. Allele origin: germline.
Comment: In summary, the available evidence is currently insufficient to determine the role of this variant in disease. Therefore, it has been classified as a Variant of Uncertain Significance. An algorithm developed to predict the effect of missense changes on protein structure and function (PolyPhen-2) suggests that this variant is likely to be disruptive. This variant has not been reported in the literature in individuals affected with SLIT2-related conditions. This variant is present in population databases (rs781173805, gnomAD 0.006%). This sequence change replaces threonine, which is neutral and polar, with isoleucine, which is neutral and non-polar, at codon 126 of the SLIT2 protein (p.Thr126Ile).